The following is an entry in ClinVar:

NM_019066.5(MAGEL2):c.1847C>T (p.Ala616Val)

Gene: MAGEL2 (MAGE family member L2; minus strand). Cytogenetic location: 15q11.2.
Variant type: single nucleotide variant.
Coding change: c.1847C>T on transcript NM_019066.5 (MANE Select); coding-DNA position 1847, C replaced by T.
Protein change: p.Ala616Val; replaces alanine 616 with valine.
Molecular consequence: missense variant.
Genome position (GRCh38, 1-based): chr15:23,645,896, G>A on the plus strand (C>T on the coding strand, the complement: MAGEL2 is on the minus strand). VCF-style: chr15-23645896-G-A. GRCh37 (hg19) VCF-style: chr15-23891043-G-A.
Other names: short protein forms A616V.
Identifiers: ClinVar variation 3344598 (VCV003344598.1).
Genomic context (GRCh38, chr15:23,645,896, plus strand): 5'-TGGGCCTCCTGGGCAGGCAGGGGCTGCCAGATGTGAGTGGGGGCCTTCTGGGCCTGCCAG[G>A]CCAGCGCCTGTGTCTGCTGCACCTCCTGGAATTCCATTGACGTTGGAATCTCGTGTGGCA-3'
Protein context (NP_061939.3, residues 606-626): FQEVQQTQAL[Ala616Val]WQAQKAPTHI

ClinVar aggregate classification (germline): Uncertain significance (0 of 4 stars; one submission).

Conditions:
MAGEL2-related disorder. Also called: MAGEL2-related condition.

gnomAD v4.1: 2 of 1,573,316 alleles (0.00013%); highest among the groups gnomAD compares: Non-Finnish European, 0.000086%; no homozygotes.

Submission:

PreventionGenetics, part of Exact Sciences
Classification: Uncertain significance for MAGEL2-related condition. Last evaluated: 2024-06-07. Review status: no assertion criteria provided. Collection method: clinical testing. Allele origin: germline.
Comment: The MAGEL2 c.1847C>T variant is predicted to result in the amino acid substitution p.Ala616Val. To our knowledge, this variant has not been reported in the literature or in a large population database, indicating this variant is rare. At this time, the clinical significance of this variant is uncertain due to the absence of conclusive functional and genetic evidence.